The following is an entry in ClinVar:

ClinVar aggregate classification (germline): Conflicting classifications of pathogenicity. Review status: criteria provided, conflicting classifications (1 of 4 stars). 6 submissions from 6 submitters: Uncertain significance (2); Benign (1); Likely benign (3). Last evaluated 2025-09-11.

Conditions:
Inborn genetic diseases. Identifiers: MedGen C0950123, MeSH D030342.
Occult macular dystrophy (OCMD). Also called: OMD; OCCULT MACULAR DYSTROPHY, SUSCEPTIBILITY TO. Identifiers: Orphanet 247834, MedGen C3150833, MONDO:0013316, OMIM 613587, HP:0030636.
Retinal dystrophy. Also called: Inherited retinal dystrophy. Identifiers: Orphanet 71862, MedGen C0854723, MeSH D058499, MONDO:0019118, HP:0000556.

Allele frequency attached by ClinVar (database versions not stated): ExAC 0.00023; 1000 Genomes Project 30x 0.00031; gnomAD 0.00048 and 0.00049; ESP Exome Variant Server 0.00049; TOPMed 0.00058.
gnomAD v4.1: 307 of 1,610,158 alleles (0.019%); highest among the groups gnomAD compares: African/African-American, 0.14%; 1 homozygote.

Submissions (6):

Labcorp Genetics (formerly Invitae), Labcorp
Classification: Likely benign. Last evaluated: 2025-09-11. Review status: criteria provided, single submitter. Criteria: Invitae Variant Classification Sherloc (09022015). Collection method: clinical testing. Allele origin: germline.

Ambry Genetics
Classification: Uncertain significance for Inborn genetic diseases. Last evaluated: 2024-07-22. Review status: criteria provided, single submitter. Criteria: Ambry Variant Classification Scheme 2023. Collection method: clinical testing. Allele origin: germline.

Revvity Omics, Revvity
Classification: Uncertain significance. Last evaluated: 2024-06-21. Review status: criteria provided, single submitter. Criteria: ACMG Guidelines, 2015. Collection method: clinical testing. Allele origin: germline.

Blueprint Genetics
Classification: Likely benign. Last evaluated: 2024-04-09. Review status: criteria provided, single submitter. Criteria: ACMG Guidelines, 2015. Collection method: clinical testing. Allele origin: germline.

Dept Of Ophthalmology, Nagoya University
Classification: Likely benign for Retinal dystrophy. Last evaluated: 2023-10-01. Review status: criteria provided, single submitter. Criteria: Submitter's publication. Collection method: research. Allele origin: germline. Affected: yes.

Illumina Laboratory Services, Illumina
Classification: Benign for Occult macular dystrophy. Last evaluated: 2018-01-13. Review status: criteria provided, single submitter. Criteria: ICSL Variant Classification Criteria 13 December 2019. Collection method: clinical testing. Allele origin: germline.
Comment: This variant was observed in the ICSL laboratory as part of a predisposition screen in an ostensibly healthy population. It had not been previously curated by ICSL or reported in the Human Gene Mutation Database (HGMD: prior to June 1st, 2018), and was therefore a candidate for classification through an automated scoring system. Utilizing variant allele frequency, disease prevalence and penetrance estimates, and inheritance mode, an automated score was calculated to assess if this variant is too frequent to cause the disease. Based on the score and internal cut-off values, a variant classified as benign is not then subjected to further curation. The score for this variant resulted in a classification of benign for this disease.

NM_178857.6(RP1L1):c.77C>T (p.Ser26Leu)

Gene: RP1L1 (RP1 like 1). Cytogenetic location: 8p23.1.
Variant type: single nucleotide variant.
Coding change: c.77C>T on transcript NM_178857.6 (MANE Select); coding-DNA position 77, C replaced by T.
Protein change: p.Ser26Leu; replaces serine 26 with leucine.
Molecular consequence: missense variant.
Genome position (GRCh38, 1-based): chr8:10,623,125, G>A on the plus strand (C>T on the coding strand, the complement: RP1L1 is on the minus strand). VCF-style: chr8-10623125-G-A. GRCh37 (hg19) VCF-style: chr8-10480635-G-A.
Other names: short protein forms S26L.
Identifiers: ClinVar variation 361429 (VCV000361429.18), dbSNP rs185749010, ClinGen allele CA4625884.